The following is an entry in ClinVar:

ClinVar aggregate classification (germline): Uncertain significance (1 of 4 stars; one submission).

gnomAD v4.1: 4 of 1,614,176 alleles (0.00025%); highest among the groups gnomAD compares: Admixed American, 0.0067%; no homozygotes.

Submission:

GeneDx
Classification: Uncertain significance. Last evaluated: 2026-09-13. Review status: criteria provided, single submitter. Criteria: GeneDx Variant Classification Process June 2021. Collection method: clinical testing. Allele origin: germline.
Comment: Not observed at significant frequency in large population cohorts (gnomAD); In silico analysis supports that this missense variant has a deleterious effect on protein structure/function; Has not been previously published as pathogenic or benign to our knowledge

NM_052989.3(IFT122):c.2594A>G (p.Tyr865Cys)

Gene: IFT122 (intraflagellar transport 122; plus strand). Cytogenetic location: 3q22.1.
Variant type: single nucleotide variant.
Coding change: c.2594A>G on transcript NM_052989.3 (MANE Select); coding-DNA position 2594, A replaced by G.
Protein change: p.Tyr865Cys; replaces tyrosine 865 with cysteine.
Molecular consequence: missense variant.
Genome position (GRCh38, 1-based): chr3:129,504,365, A>G. VCF-style: chr3-129504365-A-G. GRCh37 (hg19) VCF-style: chr3-129223208-A-G.
Other names: c.2570A>G, p.Tyr857Cys (NM_001280541.2); c.2144A>G, p.Tyr715Cys (NM_001280545.2); c.1967A>G, p.Tyr656Cys (NM_001280546.2); c.2594A>G, p.Tyr865Cys (NM_001410808.1); c.2540A>G, p.Tyr847Cys (NM_001410809.1); c.2417A>G, p.Tyr806Cys (NM_001410810.1, NM_018262.4); c.2363A>G, p.Tyr788Cys (NM_001410811.1, NM_001410813.1); c.2261A>G, p.Tyr754Cys (NM_001410815.1, NM_052990.3); and 2 more; short protein forms Y656C, Y715C, Y736C, Y754C, Y788C, Y806C, Y847C, Y857C.
Identifiers: ClinVar variation 3360180 (VCV003360180.2).